The following is an entry in ClinVar:

ClinVar aggregate classification (germline): Likely benign. Review status: criteria provided, multiple submitters, no conflicts (2 of 4 stars). 6 submissions from 6 submitters: Likely benign (3). 3 of the submissions do not count toward it. Last evaluated 2023-07-07.

Conditions:
Capillary infantile hemangioma. Also called: Hemangioma, capillary infantile, somatic; HEMANGIOMA, HEREDITARY CAPILLARY; Hereditary capillary infantile hemangioma. Identifiers: MedGen C1865871, MONDO:0011191, OMIM 602089.

Allele frequency attached by ClinVar (database versions not stated): 1000 Genomes Project 0.00899; 1000 Genomes Project 30x 0.00968; TOPMed 0.01926; gnomAD 0.02171 and 0.02299; ExAC 0.02231; gnomAD exomes 0.02298 and 0.02836.

Submissions (6):

KCCC/NGS Laboratory, Kuwait Cancer Control Center
Classification: Likely benign for Capillary infantile hemangioma. Last evaluated: 2023-07-07. Review status: criteria provided, single submitter. Criteria: ACMG Guidelines, 2015. Collection method: clinical testing. Allele origin: germline. Affected: yes.

Laboratory for Molecular Medicine, Mass General Brigham Personalized Medicine
Classification: Likely benign. Last evaluated: 2016-03-28. Review status: criteria provided, single submitter. Criteria: LMM Criteria. Collection method: clinical testing. Allele origin: germline.
Comment: Variant identified in a genome or exome case(s) and assessed due to predicted null impact of the variant or pathogenic assertions in the literature or databases. Disclaimer: This variant has not undergone full assessment. The following are preliminary notes: Frequency in ESP(all): 265/13006=2.03%

Breakthrough Genomics
Classification: Likely benign. Review status: criteria provided, single submitter. Criteria: ACMG Guidelines, 2015. Collection method: not provided. Allele origin: germline. Inheritance: Autosomal dominant inheritance. Affected: yes.

ITMI
No classification provided. Condition: AllHighlyPenetrant. Last evaluated: 2013-09-19. Review status: no classification provided. Collection method: reference population. Allele origin: germline. Not counted in ClinVar's aggregate classification.
Comment: Please see associated publication for description of ethnicities

OMIM
Classification: risk factor for HEMANGIOMA, CAPILLARY INFANTILE, SUSCEPTIBILITY TO. Last evaluated: 2008-11-01. Review status: no assertion criteria provided. Collection method: literature only. Allele origin: germline. Not counted in ClinVar's aggregate classification.

Department of Pathology and Laboratory Medicine, Sinai Health System
Classification: Likely benign. Review status: no assertion criteria provided. Collection method: clinical testing. Allele origin: unknown. Affected: yes. Study: The Canadian Open Genetics Repository (COGR). Not counted in ClinVar's aggregate classification.
Comment: The KDR p.Cys482Arg variant was identified in dbSNP (ID: rs34231037) as well as ClinVar (reported as likely benign by the Laboratory for Molecular Medicine, Partners HealthCare Personalized Medicine), Clinvitae, Cosmic (FATHMM prediction of pathogenic (score=0.99)), MutDB (classified as a polymorphism by SwissProt) and LOVD 3.0. The variant was identified in control databases in 6505 of 282288 chromosomes (95 homozygous) at a frequency of 0.023044 increasing the likelihood this could be a low frequency benign variant (Genome Aggregation Database Feb 27, 2017). The variant was observed in the following populations: European (Finnish) in 1202 of 25118 chromosomes (freq: 0.04785), European (non-Finnish) in 4106 of 128738 chromosomes (freq: 0.03189), Other in 179 of 7198 chromosomes (freq: 0.02487), Ashkenazi Jewish in 178 of 10354 chromosomes (freq: 0.01719), Latino in 486 of 35398 chromosomes (freq: 0.01373), South Asian in 209 of 30610 chromosomes (freq: 0.006828) and African in 145 of 24926 chromosomes (freq: 0.005817); it was not observed in the East Asian populations. The variant was identified in the literature where it was identified in a population of patients with Hemangioma at a frequency of 0.044, however it was also identified in a control population at a frequency of 0.041 (Jinnin_2008_18931684). The C482R variant was also found to be associated with soluble VEGFR2 levels and greater sensitivity and response to pazopanib (Maitland_2015_25411163), and was also associated with better sunitinib response (ApellâˆšÂ°niz-Ruiz_2017_28430711). The p.Cys482 residue is conserved across mammals and other organisms, and computational analyses (PolyPhen-2, SIFT, AlignGVGD, BLOSUM, MutationTaster) suggest that the variant may impact the protein; however, this information is not predictive enough to assume pathogenicity. In summary, based on the above information the clinical significance of this variant cannot be determined with certainty at this time although we would lean towards a more benign role for this variant. This variant is classified as likely benign.

Literature cited by the submitters: PubMed 24728327 (cited by ITMI); PubMed 18931684 (cited by OMIM).

NM_002253.4(KDR):c.1444T>C (p.Cys482Arg)

Gene: KDR (kinase insert domain receptor; minus strand). Cytogenetic location: 4q12.
Variant type: single nucleotide variant.
Coding change: c.1444T>C on transcript NM_002253.4 (MANE Select); coding-DNA position 1444, T replaced by C.
Protein change: p.Cys482Arg; replaces cysteine 482 with arginine.
Molecular consequence: missense variant.
Genome position (GRCh38, 1-based): chr4:55,106,779, A>G on the plus strand (T>C on the coding strand, the complement: KDR is on the minus strand). VCF-style: chr4-55106779-A-G. GRCh37 (hg19) VCF-style: chr4-55972946-A-G.
Other names: short protein forms C482R.
Identifiers: ClinVar variation 12318 (VCV000012318.7), dbSNP rs34231037, ClinGen allele CA122127.